The following is an entry in ClinVar:

ClinVar aggregate classification (germline): Uncertain significance (1 of 4 stars; one submission).

Conditions:
Hyperaldosteronism, familial, type IV (HALD4). Also called: FH IV; ALDOSTERONISM, PRIMARY, AND HYPERTENSION. Identifiers: Orphanet 642671, MedGen C4310756, MONDO:0014875, OMIM 617027.
Idiopathic generalized epilepsy. Also called: Generalised epilepsy; EIG. Identifiers: MedGen C0270850, MONDO:0005579, OMIM 600669.

Allele frequency attached by ClinVar (database versions not stated): gnomAD exomes below 0.00001 and 0.00001; gnomAD 0.00001; TOPMed 0.00002.
gnomAD v4.1: 9 of 1,609,910 alleles (0.00056%); highest among the groups gnomAD compares: South Asian, 0.0011%; no homozygotes.

Submission:

Labcorp Genetics (formerly Invitae), Labcorp
Classification: Uncertain significance for Idiopathic generalized epilepsy; Hyperaldosteronism, familial, type IV. Last evaluated: 2020-03-02. Review status: criteria provided, single submitter. Criteria: Invitae Variant Classification Sherloc (09022015). Collection method: clinical testing. Allele origin: germline.
Comment: In summary, the available evidence is currently insufficient to determine the role of this variant in disease. Therefore, it has been classified as a Variant of Uncertain Significance. Algorithms developed to predict the effect of missense changes on protein structure and function (SIFT, PolyPhen-2, Align-GVGD) all suggest that this variant is likely to be disruptive, but these predictions have not been confirmed by published functional studies and their clinical significance is uncertain. This variant has not been reported in the literature in individuals with CACNA1H-related conditions. This variant is not present in population databases (ExAC no frequency). This sequence change replaces arginine with histidine at codon 1724 of the CACNA1H protein (p.Arg1724His). The arginine residue is highly conserved and there is a small physicochemical difference between arginine and histidine.

NM_021098.3(CACNA1H):c.5171G>A (p.Arg1724His)

Gene: CACNA1H (calcium voltage-gated channel subunit alpha1 H; plus strand). Cytogenetic location: 16p13.3.
Variant type: single nucleotide variant.
Coding change: c.5171G>A on transcript NM_021098.3 (MANE Select); coding-DNA position 5171, G replaced by A.
Protein change: p.Arg1724His; replaces arginine 1724 with histidine.
Molecular consequence: missense variant.
Genome position (GRCh38, 1-based): chr16:1,215,373, G>A. VCF-style: chr16-1215373-G-A. GRCh37 (hg19) VCF-style: chr16-1265373-G-A.
Other names: c.5153G>A, p.Arg1718His (NM_001005407.2); short protein forms R1718H, R1724H.
Identifiers: ClinVar variation 1020092 (VCV001020092.8), dbSNP rs1025818671, ClinGen allele CA276608286.
Genomic context (GRCh38, chr16:1,215,373, plus strand): 5'-GCGCCGCGCTGCCCATCAACCCCACCATCATCCGCATCATGCGCGTGCTTCGCATTGCCC[G>A]TGGTAGGTGCCCGCGTGCCCGCCAGGTTCTCTCTGCGGGTGGAGGGTGGGGGCTCAGCCA-3'
Protein context (NP_066921.2, residues 1714-1734): IRIMRVLRIA[Arg1724His]VLKLLKMATG